The following is an entry in ClinVar:

NM_001371904.1(APOA5):c.658A>G (p.Ser220Gly)

Gene: APOA5 (apolipoprotein A5; minus strand). Cytogenetic location: 11q23.3.
Variant type: single nucleotide variant.
Coding change: c.658A>G on transcript NM_001371904.1 (MANE Select); coding-DNA position 658, A replaced by G.
Protein change: p.Ser220Gly; replaces serine 220 with glycine.
Molecular consequence: missense variant.
Genome position (GRCh38, 1-based): chr11:116,790,571, T>C on the plus strand (A>G on the coding strand, the complement: APOA5 is on the minus strand). VCF-style: chr11-116790571-T-C. GRCh37 (hg19) VCF-style: chr11-116661287-T-C.
Other names: c.658A>G, p.Ser220Gly (NM_001166598.2, NM_052968.5); short protein forms S220G.
Identifiers: ClinVar variation 3931830 (VCV003931830.1).

ClinVar aggregate classification (germline): Uncertain significance (1 of 4 stars; one submission).

Conditions:
Cardiovascular phenotype. Identifiers: MedGen CN230736.

Submission:

Ambry Genetics
Classification: Uncertain significance for Cardiovascular phenotype. Last evaluated: 2025-05-18. Review status: criteria provided, single submitter. Criteria: Ambry Variant Classification Scheme 2023. Collection method: clinical testing. Allele origin: germline.
Comment: The p.S220G variant (also known as c.658A>G), located in coding exon 3 of the APOA5 gene, results from an A to G substitution at nucleotide position 658. The serine at codon 220 is replaced by glycine, an amino acid with similar properties. This amino acid position is conserved. In addition, this alteration is predicted to be tolerated by in silico analysis. Based on the available evidence, the clinical significance of this variant remains unclear.